The following is an entry in ClinVar:

ClinVar aggregate classification (germline): Uncertain significance (1 of 4 stars; one submission).

Conditions:
Familial thoracic aortic aneurysm and aortic dissection (TAAD). Also called: Thoracic aortic aneurysms and dissections. Identifiers: Orphanet 91387, MedGen C4707243, MONDO:0019625.

Submission:

Color Diagnostics, LLC DBA Color Health
Classification: Uncertain significance for Familial thoracic aortic aneurysm and aortic dissection. Last evaluated: 2023-12-05. Review status: criteria provided, single submitter. Criteria: ACMG Guidelines, 2015. Collection method: clinical testing. Allele origin: germline.
Comment: This missense variant replaces leucine with valine at codon 1858 of the MYH11 protein. Computational prediction tools and conservation analyses are inconclusive regarding the impact of this variant on the protein function. Computational splicing tools suggest that this variant may not impact RNA splicing. To our knowledge, functional assays have not been performed for this variant nor has this variant been reported in individuals affected with cardiovascular disorders in the literature. This variant has not been identified in the general population by the Genome Aggregation Database (gnomAD). Available evidence is insufficient to determine the role of this variant in disease conclusively. Therefore, this variant is classified as a Variant of Uncertain Significance.

NM_002474.3(MYH11):c.5551C>G (p.Leu1851Val)

Genes: MYH11 (myosin heavy chain 11; minus strand), NDE1 (nudE neurodevelopment protein 1; plus strand). Cytogenetic location: 16p13.11.
Variant type: single nucleotide variant.
Coding change: c.5551C>G on transcript NM_002474.3 (MANE Select); coding-DNA position 5551, C replaced by G.
Protein change: p.Leu1851Val; replaces leucine 1851 with valine.
Molecular consequence: missense variant. On other transcripts: intron variant (2).
Genome position (GRCh38, 1-based): chr16:15,715,226, G>C on the plus strand (C>G on the coding strand, the complement: MYH11 is on the minus strand). VCF-style: chr16-15715226-G-C. GRCh37 (hg19) VCF-style: chr16-15809083-G-C.
Other names: c.5572C>G, p.Leu1858Val (NM_001040113.2, NM_001040114.2); c.5551C>G, p.Leu1851Val (NM_022844.3); c.948-8965G>C (NM_001143979.2, NM_017668.3); short protein forms L1858V, L1851V.
Identifiers: ClinVar variation 922990 (VCV000922990.5), dbSNP rs2040060024, ClinGen allele CA394847431.